The following is an entry in ClinVar:

ClinVar aggregate classification (germline): Conflicting classifications of pathogenicity. Review status: criteria provided, conflicting classifications (1 of 4 stars). 7 submissions from 7 submitters: Uncertain significance (2); Benign (1); Likely benign (4). Last evaluated 2025-08-07.

Conditions:
Hereditary cancer-predisposing syndrome. Also called: Neoplastic Syndromes, Hereditary; Tumor predisposition; Hereditary Cancer Syndrome; Hereditary neoplastic syndrome. Identifiers: Orphanet 140162, MedGen C0027672, MeSH D009386, MONDO:0015356.
Tuberous sclerosis syndrome (TSC). Also called: Tuberous Sclerosis Complex; Tuberous sclerosis. Identifiers: Orphanet 805, MedGen C0041341, MONDO:0001734.
Tuberous sclerosis 1 (TSC1). Identifiers: Orphanet 805, MedGen C1854465, MONDO:0008612, OMIM 191100.

Allele frequency attached by ClinVar (database versions not stated): ExAC 0.00001; gnomAD 0.00001; TOPMed 0.00001; gnomAD exomes 0.00002.
gnomAD v4.1: 15 of 1,614,068 alleles (0.00093%); highest among the groups gnomAD compares: South Asian, 0.0077%; no homozygotes.

Submissions (7):

Labcorp Genetics (formerly Invitae), Labcorp
Classification: Benign for Tuberous sclerosis 1. Last evaluated: 2025-08-07. Review status: criteria provided, single submitter. Criteria: Invitae Variant Classification Sherloc (09022015). Collection method: clinical testing. Allele origin: germline.

Color Diagnostics, LLC DBA Color Health
Classification: Uncertain significance for Tuberous sclerosis syndrome. Last evaluated: 2025-07-11. Review status: criteria provided, single submitter. Criteria: ACMG Guidelines, 2015. Collection method: clinical testing. Allele origin: germline.
Comment: This missense variant replaces alanine with threonine at codon 944 of the TSC1 protein. Computational prediction suggests that this variant may not impact protein structure and function. To our knowledge, functional studies have not been reported for this variant. This variant has not been reported in individuals affected with TSC1-related disorders in the literature. This variant has been identified in 6/282844 chromosomes in the general population by the Genome Aggregation Database (gnomAD). The available evidence is insufficient to determine the role of this variant in disease conclusively. Therefore, this variant is classified as a Variant of Uncertain Significance.

Myriad Genetics, Inc.
Classification: Likely benign for Tuberous sclerosis 1. Last evaluated: 2024-08-14. Review status: criteria provided, single submitter. Criteria: Myriad Autosomal Dominant, Autosomal Recessive and X-Linked Classification Criteria (2023). Collection method: clinical testing. Allele origin: unknown.
Comment: This variant is considered likely benign. This variant has been observed at a population frequency that is significantly greater than expected given the associated disease prevalence and penetrance.

All of Us Research Program, National Institutes of Health
Classification: Uncertain significance for Tuberous sclerosis syndrome. Last evaluated: 2024-05-09. Review status: criteria provided, single submitter. Criteria: ACMG Guidelines, 2015. Collection method: clinical testing. Allele origin: germline. Inheritance: Autosomal dominant inheritance. Observed: 3 variant alleles, 3 heterozygotes.
Comment: This study involves interpretation of variants in research participants for the purpose of population health screening. Participant phenotype was not available at the time of variant classification. Additional details can be found in publication PMID: 35346344, PMCID: PMC8962531

Ambry Genetics
Classification: Likely benign for Hereditary cancer-predisposing syndrome. Last evaluated: 2023-03-24. Review status: criteria provided, single submitter. Criteria: Ambry Variant Classification Scheme 2023. Collection method: clinical testing. Allele origin: germline.

Blueprint Genetics
Classification: Likely benign. Last evaluated: 2023-01-19. Review status: criteria provided, single submitter. Criteria: ACMG Guidelines, 2015. Collection method: clinical testing. Allele origin: germline.

Genome-Nilou Lab
Classification: Likely benign for Tuberous sclerosis 1. Last evaluated: 2021-11-07. Review status: criteria provided, single submitter. Criteria: ACMG Guidelines, 2015. Collection method: clinical testing. Allele origin: germline. Affected: no.

NM_000368.5(TSC1):c.2830G>A (p.Ala944Thr)

Gene: TSC1 (TSC complex subunit 1; minus strand). Cytogenetic location: 9q34.13.
Variant type: single nucleotide variant.
Coding change: c.2830G>A on transcript NM_000368.5 (MANE Select); coding-DNA position 2830, G replaced by A.
Protein change: p.Ala944Thr; replaces alanine 944 with threonine.
Molecular consequence: missense variant.
Genome position (GRCh38, 1-based): chr9:132,897,329, C>T on the plus strand (G>A on the coding strand, the complement: TSC1 is on the minus strand). VCF-style: chr9-132897329-C-T. GRCh37 (hg19) VCF-style: chr9-135772716-C-T.
Other names: c.2827G>A, p.Ala943Thr (NM_001162426.2); c.2677G>A, p.Ala893Thr (NM_001162427.2); c.2467G>A, p.Ala823Thr (NM_001362177.2); short protein forms A944T, A823T, A943T, A893T.
Identifiers: ClinVar variation 411234 (VCV000411234.22), dbSNP rs751362258, ClinGen allele CA034791.